The following is an entry in ClinVar:

ClinVar aggregate classification (germline): Conflicting classifications of pathogenicity. Review status: criteria provided, conflicting classifications (1 of 4 stars). 4 submissions from 4 submitters: Uncertain significance (3); Likely benign (1). Last evaluated 2025-04-09.

Conditions:
Autosomal recessive limb-girdle muscular dystrophy type 2J (LGMDR10). Also called: Limb-girdle muscular dystrophy, type 2J; MUSCULAR DYSTROPHY, LIMB-GIRDLE, AUTOSOMAL RECESSIVE 10. Identifiers: Orphanet 140922, MedGen C1837342, MONDO:0012127, OMIM 608807.
Dilated cardiomyopathy 1G (CMD1G). Identifiers: Orphanet 154, MedGen C1858763, MONDO:0011400, OMIM 604145.

Allele frequency attached by ClinVar (database versions not stated): gnomAD exomes below 0.00001; ExAC 0.00001; gnomAD 0.00001; TOPMed 0.00001.
gnomAD v4.1: 28 of 1,614,000 alleles (0.0017%); highest among the groups gnomAD compares: Non-Finnish European, 0.0023%; no homozygotes.

Submissions (4):

Molecular Diagnostic Laboratory for Inherited Cardiovascular Disease, Montreal Heart Institute
Classification: Likely benign. Last evaluated: 2025-04-09. Review status: criteria provided, single submitter. Criteria: ACMG Guidelines, 2015. Collection method: clinical testing. Allele origin: germline. Affected: no.
Comment: BP1

GeneDx
Classification: Uncertain significance. Last evaluated: 2023-01-05. Review status: criteria provided, single submitter. Criteria: GeneDx Variant Classification Process June 2021. Collection method: clinical testing. Allele origin: germline. Affected: yes.
Comment: Not observed at significant frequency in large population cohorts (gnomAD); Missense variant in a gene in which most reported pathogenic variants are truncating/loss of function; Has not been previously published as pathogenic or benign to our knowledge

Mayo Clinic Laboratories, Mayo Clinic
Classification: Uncertain significance. Last evaluated: 2022-06-30. Review status: criteria provided, single submitter. Criteria: ACMG Guidelines, 2015. Collection method: clinical testing. Allele origin: germline. Observed: 1 variant allele.

Labcorp Genetics (formerly Invitae), Labcorp
Classification: Uncertain significance for Dilated cardiomyopathy 1G; Autosomal recessive limb-girdle muscular dystrophy type 2J. Last evaluated: 2017-02-07. Review status: criteria provided, single submitter. Criteria: Invitae Variant Classification Sherloc (09022015). Collection method: clinical testing. Allele origin: germline.

NM_001267550.2(TTN):c.5080C>T (p.Leu1694Phe)

Gene: TTN (titin; minus strand). Cytogenetic location: 2q31.2.
Variant type: single nucleotide variant.
Coding change: c.5080C>T on transcript NM_001267550.2 (MANE Select); coding-DNA position 5080, C replaced by T.
Protein change: p.Leu1694Phe; replaces leucine 1694 with phenylalanine.
Molecular consequence: missense variant.
Genome position (GRCh38, 1-based): chr2:178,776,784, G>A on the plus strand (C>T on the coding strand, the complement: TTN is on the minus strand). VCF-style: chr2-178776784-G-A. GRCh37 (hg19) VCF-style: chr2-179641511-G-A.
Other names: p.Leu1694Phe; c.5080C>T (NM_001267550.1); c.5080C>T, p.Leu1694Phe (NM_001256850.1, NM_133378.4, NM_133379.5); c.4942C>T, p.Leu1648Phe (NM_003319.4, NM_133432.3, NM_133437.4); short protein forms L1694F, L1648F.
Identifiers: ClinVar variation 467228 (VCV000467228.6), dbSNP rs769798880, ClinGen allele CA2005222.